The following is an entry in ClinVar:

ClinVar aggregate classification (germline): Uncertain significance (1 of 4 stars; one submission).

Conditions:
Multiple congenital exostosis (EXT). Also called: Hereditary multiple osteochondromas; MULTIPLE CARTILAGINOUS EXOSTOSES; Hereditary multiple exostoses; Hereditary multiple exostosis; Multiple exostoses; Multiple osteochondromas. Identifiers: Orphanet 321, MedGen C0015306, MONDO:0005508, HP:0002762.

Allele frequency attached by ClinVar (database versions not stated): ExAC 0.00001; gnomAD exomes 0.00001; TOPMed 0.00001; gnomAD 0.00002.
gnomAD v4.1: 11 of 1,613,048 alleles (0.00068%); highest among the groups gnomAD compares: East Asian, 0.0089%; no homozygotes.

Submission:

Labcorp Genetics (formerly Invitae), Labcorp
Classification: Uncertain significance for Multiple congenital exostosis. Last evaluated: 2025-07-31. Review status: criteria provided, single submitter. Criteria: Invitae Variant Classification Sherloc (09022015). Collection method: clinical testing. Allele origin: germline.
Comment: This sequence change replaces arginine, which is basic and polar, with cysteine, which is neutral and slightly polar, at codon 440 of the EXT1 protein (p.Arg440Cys). This variant is present in population databases (rs762790189, gnomAD 0.01%). This variant has not been reported in the literature in individuals affected with EXT1-related conditions. ClinVar contains an entry for this variant (Variation ID: 2144158). Invitae Evidence Modeling of protein sequence and biophysical properties (such as structural, functional, and spatial information, amino acid conservation, physicochemical variation, residue mobility, and thermodynamic stability) has been performed for this missense variant. However, the output from this modeling did not meet the statistical confidence thresholds required to predict the impact of this variant on EXT1 protein function. In summary, the available evidence is currently insufficient to determine the role of this variant in disease. Therefore, it has been classified as a Variant of Uncertain Significance.

NM_000127.3(EXT1):c.1318C>T (p.Arg440Cys)

Gene: EXT1 (exostosin glycosyltransferase 1; minus strand). Cytogenetic location: 8q24.11.
Variant type: single nucleotide variant.
Coding change: c.1318C>T on transcript NM_000127.3 (MANE Select); coding-DNA position 1318, C replaced by T.
Protein change: p.Arg440Cys; replaces arginine 440 with cysteine.
Molecular consequence: missense variant.
Genome position (GRCh38, 1-based): chr8:117,822,564, G>A on the plus strand (C>T on the coding strand, the complement: EXT1 is on the minus strand). VCF-style: chr8-117822564-G-A. GRCh37 (hg19) VCF-style: chr8-118834803-G-A.
Other names: short protein forms R440C.
Identifiers: ClinVar variation 2144158 (VCV002144158.4), dbSNP rs762790189, ClinGen allele CA4854169.